The following is an entry in ClinVar:

ClinVar aggregate classification (germline): Uncertain significance. Review status: criteria provided, multiple submitters, no conflicts (2 of 4 stars). 2 submissions from 2 submitters: Uncertain significance (2). Last evaluated 2025-06-11.

Conditions:
Inborn genetic diseases. Identifiers: MedGen C0950123, MeSH D030342.

Allele frequency attached by ClinVar (database versions not stated): ExAC below 0.00001; gnomAD 0.00002 and 0.00003; gnomAD exomes 0.00002; TOPMed 0.00002; ESP Exome Variant Server 0.00008.
gnomAD v4.1: 29 of 1,594,856 alleles (0.0018%); highest among the groups gnomAD compares: Non-Finnish European, 0.00043%; no homozygotes.

Submissions (2):

Ambry Genetics
Classification: Uncertain significance for Inborn genetic diseases. Last evaluated: 2025-06-11. Review status: criteria provided, single submitter. Criteria: Ambry Variant Classification Scheme 2023. Collection method: clinical testing. Allele origin: germline.

Labcorp Genetics (formerly Invitae), Labcorp
Classification: Uncertain significance. Last evaluated: 2023-06-30. Review status: criteria provided, single submitter. Criteria: Invitae Variant Classification Sherloc (09022015). Collection method: clinical testing. Allele origin: germline.
Comment: In summary, the available evidence is currently insufficient to determine the role of this variant in disease. Therefore, it has been classified as a Variant of Uncertain Significance. Advanced modeling of protein sequence and biophysical properties (such as structural, functional, and spatial information, amino acid conservation, physicochemical variation, residue mobility, and thermodynamic stability) has been performed at Invitae for this missense variant, however the output from this modeling did not meet the statistical confidence thresholds required to predict the impact of this variant on PDE6B protein function. ClinVar contains an entry for this variant (Variation ID: 966810). This variant has not been reported in the literature in individuals affected with PDE6B-related conditions. This variant is present in population databases (rs374446899, gnomAD 0.06%). This sequence change replaces lysine, which is basic and polar, with asparagine, which is neutral and polar, at codon 147 of the PDE6B protein (p.Lys147Asn).

NM_000283.4(PDE6B):c.441G>C (p.Lys147Asn)

Gene: PDE6B (phosphodiesterase 6B; plus strand). Cytogenetic location: 4p16.3.
Variant type: single nucleotide variant.
Coding change: c.441G>C on transcript NM_000283.4 (MANE Select); coding-DNA position 441, G replaced by C.
Protein change: p.Lys147Asn; replaces lysine 147 with asparagine.
Molecular consequence: missense variant.
Genome position (GRCh38, 1-based): chr4:626,067, G>C. VCF-style: chr4-626067-G-C. GRCh37 (hg19) VCF-style: chr4-619856-G-C.
Other names: c.441G>C, p.Lys147Asn (NM_001145291.2); short protein forms K147N.
Identifiers: ClinVar variation 966810 (VCV000966810.10), dbSNP rs374446899, ClinGen allele CA2793944.